The following is an entry in ClinVar:

NM_000051.4(ATM):c.2817del (p.Lys940fs)

Gene: ATM (ATM serine/threonine kinase; plus strand). Cytogenetic location: 11q22.3.
Variant type: Deletion.
Coding change: c.2817del on transcript NM_000051.4 (MANE Select); coding-DNA position 2817, one base deleted (C; older notation c.2817delC).
Protein change: p.Lys940fs; shifts the reading frame from lysine 940.
Molecular consequence: frameshift variant.
Genome position (GRCh38, 1-based): chr11:108,268,588, C deleted; the last of 2 consecutive C bases (chr11:108,268,587-108,268,588); deleting either gives the same sequence. VCF-style (leftmost placement, unchanged base first): chr11-108268586-AC-A. GRCh37 (hg19) VCF-style: chr11-108139313-AC-A.
Other names: c.2817delC (NM_000051.3); c.2817del, p.Lys940fs (NM_001351834.2); short protein forms K940fs.
Identifiers: ClinVar variation 479042 (VCV000479042.16), dbSNP rs1555083435, ClinGen allele CA658656148.

ClinVar aggregate classification (germline): Pathogenic. Review status: criteria provided, multiple submitters, no conflicts (2 of 4 stars). 6 submissions from 6 submitters: Pathogenic (6). Last evaluated 2024-10-02.

Conditions:
Hereditary cancer-predisposing syndrome. Also called: Tumor predisposition; Hereditary neoplastic syndrome; Neoplastic Syndromes, Hereditary; Hereditary Cancer Syndrome. Identifiers: Orphanet 140162, MedGen C0027672, MeSH D009386, MONDO:0015356.
Ataxia-telangiectasia syndrome (AT). Also called: Ataxia telangiectasia (A-T); LOUIS-BAR SYNDROME; Ataxia-telangiectasia, complementation group D; AT, COMPLEMENTATION GROUP C; Ataxia-telangiectasia, complementation group E; Cerebello-oculocutaneous telangiectasia. Identifiers: Orphanet 100, MedGen C0004135, MONDO:0008840, OMIM 208900.
Familial cancer of breast. Also called: BREAST CANCER, FAMILIAL; hereditary breast carcinoma; Hereditary breast cancer. Identifiers: Orphanet 227535, MedGen C0346153, MONDO:0016419, OMIM 114480. Disease mechanism: loss of function.

Submissions (6):

Natera, Inc.
Classification: Pathogenic for Ataxia-telangiectasia. Last evaluated: 2024-10-02. Review status: criteria provided, single submitter. Criteria: Natera Variant Classification Schema (03/2026). Collection method: clinical testing. Allele origin: germline.
Comment: The c.2817del variant in ATM is a frameshift variant predicted to shift the reading frame beginning at codon 940 and leads to a stop codon 9 codons downstream. This variant is expected to result in nonsense mediated decay, truncation, or a dysfunctional protein product. This variant is rare in the general population with a frequency below the threshold expected for the associated phenotype(s). This variant has been observed in one or more individuals affected with the associated recessive disease, as either homozygous or compound heterozygous with a second variant (PMID: 32462469). Given the available evidence, this variant is classified as Pathogenic.

Labcorp Genetics (formerly Invitae), Labcorp
Classification: Pathogenic for Ataxia-telangiectasia syndrome. Last evaluated: 2024-05-08. Review status: criteria provided, single submitter. Criteria: Invitae Variant Classification Sherloc (09022015). Collection method: clinical testing. Allele origin: germline.
Comment: This sequence change creates a premature translational stop signal (p.Lys940Asnfs*9) in the ATM gene. It is expected to result in an absent or disrupted protein product. Loss-of-function variants in ATM are known to be pathogenic (PMID: 23807571, 25614872). This variant is not present in population databases (gnomAD no frequency). This variant has not been reported in the literature in individuals affected with ATM-related conditions. ClinVar contains an entry for this variant (Variation ID: 479042). For these reasons, this variant has been classified as Pathogenic.

Baylor Genetics
Classification: Pathogenic for Familial cancer of breast. Last evaluated: 2024-03-12. Review status: criteria provided, single submitter. Criteria: ACMG Guidelines, 2015. Collection method: clinical testing. Allele origin: unknown.

Myriad Genetics, Inc.
Classification: Pathogenic for Familial cancer of breast. Last evaluated: 2024-01-18. Review status: criteria provided, single submitter. Criteria: Myriad Autosomal Dominant, Autosomal Recessive and X-Linked Classification Criteria (2023). Collection method: clinical testing. Allele origin: unknown.
Comment: This variant is considered pathogenic. This variant creates a frameshift predicted to result in premature protein truncation.

GeneDx
Classification: Pathogenic. Last evaluated: 2023-11-27. Review status: criteria provided, single submitter. Criteria: GeneDx Variant Classification Process June 2021. Collection method: clinical testing. Allele origin: germline. Affected: yes.
Comment: Frameshift variant predicted to result in protein truncation or nonsense mediated decay in a gene for which loss of function is a known mechanism of disease; Observed in a pediatric patient with congenital heart disease (PMID: 33084842); Truncating variants in this gene are considered pathogenic by a well-established clinical consortium and/or database; Not observed at significant frequency in large population cohorts (gnomAD); This variant is associated with the following publications: (PMID: 33084842)

Ambry Genetics
Classification: Pathogenic for Hereditary cancer-predisposing syndrome. Last evaluated: 2023-05-16. Review status: criteria provided, single submitter. Criteria: Ambry Variant Classification Scheme 2023. Collection method: clinical testing. Allele origin: germline.
Comment: The c.2817delC pathogenic mutation, located in coding exon 17 of the ATM gene, results from a deletion of one nucleotide at nucleotide position 2817, causing a translational frameshift with a predicted alternate stop codon (p.K940Nfs*9). This variant is considered to be rare based on population cohorts in the Genome Aggregation Database (gnomAD). This alteration is expected to result in loss of function by premature protein truncation or nonsense-mediated mRNA decay. As such, this alteration is interpreted as a disease-causing mutation.

Literature cited by the submitters: PubMed 32462469 (cited by Natera, Inc.); PubMed 23807571 (cited by Labcorp Genetics (formerly Invitae), Labcorp); PubMed 25614872 (cited by Labcorp Genetics (formerly Invitae), Labcorp).